The following is an entry in ClinVar:

ClinVar aggregate classification (germline): Likely pathogenic (1 of 4 stars; one submission).

Conditions:
Anemia, nonspherocytic hemolytic, due to G6PD deficiency (CNSHA1). Also called: Hemolytic anemia due to G6PD deficiency; Class I glucose-6-phosphate dehydrogenase deficiency; Favism, susceptibility to; ANEMIA, CONGENITAL, NONSPHEROCYTIC HEMOLYTIC, 1. Identifiers: Orphanet 466026, MedGen C2720289, MONDO:0010480, OMIM 300908.

Submission:

Dunham Lab, University of Washington
Classification: Likely pathogenic for Anemia, nonspherocytic hemolytic, due to G6PD deficiency. Last evaluated: 2022-08-12. Review status: criteria provided, single submitter. Criteria: Bayesian ACMG Guidelines, 2018. Collection method: curation. Allele origin: unknown. Affected: yes.
Comment: Decreased activity in red blood cells (PS3). Not found in gnomAD (PM2). Post_P 0.949 (odds of pathogenicity 168.4, Prior_P 0.1).

Literature cited by the submitters: PubMed 22139979.

NM_001360016.2(G6PD):c.821A>T (p.Glu274Val)

Gene: G6PD (glucose-6-phosphate dehydrogenase; minus strand). Cytogenetic location: Xq28.
Variant type: single nucleotide variant.
Coding change: c.821A>T on transcript NM_001360016.2 (MANE Select); coding-DNA position 821, A replaced by T.
Protein change: p.Glu274Val; replaces glutamic acid 274 with valine.
Molecular consequence: missense variant.
Genome position (GRCh38, 1-based): chrX:154,533,619, T>A on the plus strand (A>T on the coding strand, the complement: G6PD is on the minus strand). VCF-style: chrX-154533619-T-A. GRCh37 (hg19) VCF-style: chrX-153761834-T-A.
Other names: G6PD Lille; c.911A>T, p.Glu304Val (NM_000402.4); c.821A>T, p.Glu274Val (NM_001042351.3); short protein forms E274V, E304V.
Identifiers: ClinVar variation 1722761 (VCV001722761.2), dbSNP rs2523265506, ClinGen allele CA415235223.
Genomic context (GRCh38, chrX:154,533,619, plus strand): 5'-TGGGGTGCACCCCCTACCTTCTCATCACGGACGTCATCTGAGTTGGTGGAGGCGGGCTTC[T>A]CCATGGCCACCAGACACAGCATCTGCAGTAGGTGGTTCTGCATCACGTCCCTGGGGACGG-3'
Protein context (NP_001346945.1, residues 264-284): LLQMLCLVAM[Glu274Val]KPASTNSDDV